The following is an entry in ClinVar:

ClinVar aggregate classification (germline): Uncertain significance. Review status: criteria provided, multiple submitters, no conflicts (2 of 4 stars). 2 submissions from 2 submitters: Uncertain significance (2). Last evaluated 2026-06-01.

Conditions:
Orofacial cleft 11 (OFC11). Also called: Orofacial cleft 11; ofc11; CLEFT LIP WITH OR WITHOUT CLEFT PALATE, NONSYNDROMIC, 11. Identifiers: MedGen C2677434, MONDO:0010906, OMIM 600625.
Microphthalmia with brain and digit anomalies (MCOPS6). Also called: MICROPHTHALMIA AND PITUITARY ANOMALIES; Microphthalmia, syndromic 6. Identifiers: Orphanet 139471, MedGen C1864689, MONDO:0011936, OMIM 607932.

Allele frequency attached by ClinVar (database versions not stated): gnomAD 0.00001; TOPMed 0.00001; ExAC 0.00002; 1000 Genomes Project 30x 0.00016; 1000 Genomes Project 0.00020.
gnomAD v4.1: 28 of 1,614,192 alleles (0.0017%); highest among the groups gnomAD compares: Admixed American, 0.005%; no homozygotes.

Submissions (2):

CeGaT Center for Human Genetics Tuebingen
Classification: Uncertain significance. Last evaluated: 2026-06-01. Review status: criteria provided, single submitter. Criteria: CeGaT Center For Human Genetics Tuebingen Variant Classification Criteria Version 2. Collection method: clinical testing. Allele origin: germline. Affected: yes. Observed: 1 variant allele.

Labcorp Genetics (formerly Invitae), Labcorp
Classification: Uncertain significance for Microphthalmia with brain and digit anomalies; Orofacial cleft 11. Last evaluated: 2024-01-02. Review status: criteria provided, single submitter. Criteria: Invitae Variant Classification Sherloc (09022015). Collection method: clinical testing. Allele origin: germline.
Comment: This sequence change replaces aspartic acid, which is acidic and polar, with glutamic acid, which is acidic and polar, at codon 56 of the BMP4 protein (p.Asp56Glu). This variant is present in population databases (rs547716844, gnomAD 0.003%). This missense change has been observed in individual(s) with clinical features of BMP4-related conditions (PMID: 31063268). ClinVar contains an entry for this variant (Variation ID: 2159415). Advanced modeling of protein sequence and biophysical properties (such as structural, functional, and spatial information, amino acid conservation, physicochemical variation, residue mobility, and thermodynamic stability) performed at Invitae indicates that this missense variant is not expected to disrupt BMP4 protein function with a negative predictive value of 80%. In summary, the available evidence is currently insufficient to determine the role of this variant in disease. Therefore, it has been classified as a Variant of Uncertain Significance.

Literature cited by the submitters: PubMed 31063268 (cited by Labcorp Genetics (formerly Invitae), Labcorp).

NM_001202.6(BMP4):c.168C>A (p.Asp56Glu)

Gene: BMP4 (bone morphogenetic protein 4; minus strand). Cytogenetic location: 14q22.2.
Variant type: single nucleotide variant.
Coding change: c.168C>A on transcript NM_001202.6 (MANE Select); coding-DNA position 168, C replaced by A.
Protein change: p.Asp56Glu; replaces aspartic acid 56 with glutamic acid.
Molecular consequence: missense variant. On other transcripts: 5 prime UTR variant (3).
Genome position (GRCh38, 1-based): chr14:53,952,055, G>T on the plus strand (C>A on the coding strand, the complement: BMP4 is on the minus strand). VCF-style: chr14-53952055-G-T. GRCh37 (hg19) VCF-style: chr14-54418773-G-T.
Other names: c.309C>A, p.Asp103Glu (NM_001347912.1); c.-22C>A (NM_001347913.2, NM_001347915.2, NM_001347917.1); c.168C>A, p.Asp56Glu (NM_001347914.2, NM_001347916.1, NM_130850.5 and 1 more transcripts); short protein forms D103E, D56E.
Identifiers: ClinVar variation 2159415 (VCV002159415.6), dbSNP rs547716844, ClinGen allele CA7191818.